The following is an entry in ClinVar:

ClinVar aggregate classification (germline): Uncertain significance (1 of 4 stars; one submission).

Conditions:
Developmental and epileptic encephalopathy, 11 (DEE11). Also called: Early infantile epileptic encephalopathy 11. Identifiers: Orphanet 1934, MedGen C3150987, MONDO:0013388, OMIM 613721.
Seizures, benign familial infantile, 3 (BFIS3). Also called: Familial neonatal seizures; CONVULSIONS, BENIGN FAMILIAL INFANTILE, 3. Identifiers: Orphanet 140927, Orphanet 306, MedGen C1843140, MONDO:0011904, OMIM 607745.

Submission:

Labcorp Genetics (formerly Invitae), Labcorp
Classification: Uncertain significance for Seizures, benign familial infantile, 3; Developmental and epileptic encephalopathy, 11. Last evaluated: 2024-09-05. Review status: criteria provided, single submitter. Criteria: Invitae Variant Classification Sherloc (09022015). Collection method: clinical testing. Allele origin: germline.
Comment: This sequence change replaces tryptophan, which is neutral and slightly polar, with cysteine, which is neutral and slightly polar, at codon 1398 of the SCN2A protein (p.Trp1398Cys). This variant is not present in population databases (gnomAD no frequency). This variant has not been reported in the literature in individuals affected with SCN2A-related conditions. Invitae Evidence Modeling of protein sequence and biophysical properties (such as structural, functional, and spatial information, amino acid conservation, physicochemical variation, residue mobility, and thermodynamic stability) indicates that this missense variant is expected to disrupt SCN2A protein function with a positive predictive value of 95%. In summary, the available evidence is currently insufficient to determine the role of this variant in disease. Therefore, it has been classified as a Variant of Uncertain Significance.

NM_001040142.2(SCN2A):c.4194G>C (p.Trp1398Cys)

Gene: SCN2A (sodium voltage-gated channel alpha subunit 2; plus strand). Cytogenetic location: 2q24.3.
Variant type: single nucleotide variant.
Coding change: c.4194G>C on transcript NM_001040142.2 (MANE Select); coding-DNA position 4194, G replaced by C.
Protein change: p.Trp1398Cys; replaces tryptophan 1398 with cysteine.
Molecular consequence: missense variant.
Genome position (GRCh38, 1-based): chr2:165,374,906, G>C. VCF-style: chr2-165374906-G-C. GRCh37 (hg19) VCF-style: chr2-166231416-G-C.
Other names: c.4194G>C, p.Trp1398Cys (NM_001040143.2, NM_001371246.1, NM_001371247.1 and 1 more transcripts); short protein forms W1398C.
Identifiers: ClinVar variation 3761587 (VCV003761587.2).